The following is an entry in ClinVar:

NM_001267550.2(TTN):c.107384T>C (p.Val35795Ala)

Genes: TTN (titin; minus strand), TTN-AS1 (TTN antisense RNA 1; plus strand). Cytogenetic location: 2q31.2.
Variant type: single nucleotide variant.
Coding change: c.107384T>C on transcript NM_001267550.2 (MANE Select); coding-DNA position 107384, T replaced by C.
Protein change: p.Val35795Ala; replaces valine 35795 with alanine.
Molecular consequence: missense variant.
Genome position (GRCh38, 1-based): chr2:178,527,742, A>G on the plus strand (T>C on the coding strand, the complement: TTN is on the minus strand). VCF-style: chr2-178527742-A-G. GRCh37 (hg19) VCF-style: chr2-179392469-A-G.
Other names: p.Val34154Ala; c.102461T>C, p.Val34154Ala (NM_001256850.1); c.80189T>C, p.Val26730Ala (NM_003319.4); c.99680T>C, p.Val33227Ala (NM_133378.4); c.80564T>C, p.Val26855Ala (NM_133432.3); c.80765T>C, p.Val26922Ala (NM_133437.4); short protein forms V33227A, V35795A, V26730A, V26855A, V34154A, V26922A.
Identifiers: ClinVar variation 592950 (VCV000592950.13), dbSNP rs549598246, ClinGen allele CA1984946.
Genomic context (GRCh38, chr2:178,527,742, plus strand): 5'-CTTCCTTGCAAGCTTGTGTCACCACTTGTTCTCAATACTACCTCTCTGGAAGGTTCTTCA[A>G]CTAGAGCTGTGGAGCATAGCAGATACACAGTGAACATCAATGACATCTGGTTAATTGATG-3'
Protein context (NP_001254479.2, residues 35785-35805): ATASLMVLPL[Val35795Ala]EEPSREVVLR

ClinVar aggregate classification (germline): Conflicting classifications of pathogenicity. Review status: criteria provided, conflicting classifications (1 of 4 stars). 5 submissions from 5 submitters: Uncertain significance (4); Likely benign (1). Last evaluated 2025-12-30.

Allele frequency attached by ClinVar (database versions not stated): TOPMed 0.00004; gnomAD exomes 0.00006; ExAC 0.00008; gnomAD 0.00008; 1000 Genomes Project 30x 0.00016; 1000 Genomes Project 0.00020.
gnomAD v4.1: 67 of 1,593,516 alleles (0.0042%); highest among the groups gnomAD compares: South Asian, 0.0091%; no homozygotes.

Submissions (5):

Women's Health and Genetics/Laboratory Corporation of America, LabCorp
Classification: Uncertain significance. Last evaluated: 2025-12-30. Review status: criteria provided, single submitter. Criteria: LabCorp Variant Classification Summary - May 2015. Collection method: clinical testing. Allele origin: germline.
Comment: Variant summary: TTN c.99680T>C (p.Val33227Ala) results in a non-conservative amino acid change in the encoded protein sequence. Algorithms developed to predict the effect of missense changes on protein structure and function are either unavailable or do not agree on the potential impact of this missense change. The variant allele was found at a frequency of 6.5e-05 in 231832 control chromosomes. This frequency is not significantly higher than estimated for disease-causing variants in TTN, allowing no conclusion about variant significance. To our knowledge, no occurrence of c.99680T>C in individuals affected with TTN-related conditions and no experimental evidence demonstrating its impact on protein function have been reported. ClinVar contains an entry for this variant (Variation ID: 592950). Based on the evidence outlined above, the variant was classified as uncertain significance.

Mayo Clinic Laboratories, Mayo Clinic
Classification: Uncertain significance. Last evaluated: 2024-02-20. Review status: criteria provided, single submitter. Criteria: ACMG Guidelines, 2015. Collection method: clinical testing. Allele origin: germline. Observed: 1 variant allele.
Comment: BP4

Revvity Omics, Revvity
Classification: Uncertain significance. Last evaluated: 2023-03-01. Review status: criteria provided, single submitter. Criteria: ACMG Guidelines, 2015. Collection method: clinical testing. Allele origin: germline.

GeneDx
Classification: Likely benign. Last evaluated: 2020-10-27. Review status: criteria provided, single submitter. Criteria: GeneDx Variant Classification Process June 2021. Collection method: clinical testing. Allele origin: germline. Affected: yes.

Eurofins Ntd Llc (ga)
Classification: Uncertain significance. Last evaluated: 2018-04-13. Review status: criteria provided, single submitter. Criteria: EGL ClinVar v180209 classification definitions. Collection method: clinical testing. Allele origin: germline. Observed: 2 variant alleles, 2 heterozygotes.